The following is an entry in ClinVar:

ClinVar aggregate classification (germline): Uncertain significance. Review status: criteria provided, multiple submitters, no conflicts (2 of 4 stars). 2 submissions from 2 submitters: Uncertain significance (2). Last evaluated 2024-10-30.

Allele frequency attached by ClinVar (database versions not stated): gnomAD 0.00001; TOPMed 0.00002.
gnomAD v4.1: 2 of 1,607,598 alleles (0.00012%); highest among the groups gnomAD compares: African/African-American, 0.0027%; no homozygotes.

Submissions (2):

Labcorp Genetics (formerly Invitae), Labcorp
Classification: Uncertain significance. Last evaluated: 2024-10-30. Review status: criteria provided, single submitter. Criteria: Invitae Variant Classification Sherloc (09022015). Collection method: clinical testing. Allele origin: germline.
Comment: This sequence change replaces asparagine, which is neutral and polar, with lysine, which is basic and polar, at codon 968 of the CLTC protein (p.Asn968Lys). This variant is present in population databases (no rsID available, gnomAD 0.02%). This variant has not been reported in the literature in individuals affected with CLTC-related conditions. ClinVar contains an entry for this variant (Variation ID: 3009332). Invitae Evidence Modeling of protein sequence and biophysical properties (such as structural, functional, and spatial information, amino acid conservation, physicochemical variation, residue mobility, and thermodynamic stability) indicates that this missense variant is expected to disrupt CLTC protein function with a positive predictive value of 80%. In summary, the available evidence is currently insufficient to determine the role of this variant in disease. Therefore, it has been classified as a Variant of Uncertain Significance.

Blueprint Genetics
Classification: Uncertain significance. Last evaluated: 2022-01-14. Review status: criteria provided, single submitter. Criteria: ACMG Guidelines, 2015. Collection method: clinical testing. Allele origin: germline.

NM_004859.4(CLTC):c.2892T>A (p.Asn964Lys)

Gene: CLTC (clathrin heavy chain; plus strand). Cytogenetic location: 17q23.1.
Variant type: single nucleotide variant.
Coding change: c.2892T>A on transcript NM_004859.4 (MANE Select); coding-DNA position 2892, T replaced by A.
Protein change: p.Asn964Lys; replaces asparagine 964 with lysine.
Molecular consequence: missense variant.
Genome position (GRCh38, 1-based): chr17:59,679,492, T>A. VCF-style: chr17-59679492-T-A. GRCh37 (hg19) VCF-style: chr17-57756853-T-A.
Other names: c.2904T>A, p.Asn968Lys (NM_001288653.2); short protein forms N968K, N964K.
Identifiers: ClinVar variation 3009332 (VCV003009332.4), dbSNP rs894692184, ClinGen allele CA292115136.